The following is an entry in ClinVar:

NM_001142800.2(EYS):c.6003T>G (p.His2001Gln)

Gene: EYS (eyes shut homolog; minus strand). Cytogenetic location: 6q12.
Variant type: single nucleotide variant.
Coding change: c.6003T>G on transcript NM_001142800.2 (MANE Select); coding-DNA position 6003, T replaced by G.
Protein change: p.His2001Gln; replaces histidine 2001 with glutamine.
Molecular consequence: missense variant.
Genome position (GRCh38, 1-based): chr6:64,388,765, A>C on the plus strand (T>G on the coding strand, the complement: EYS is on the minus strand). VCF-style: chr6-64388765-A-C. GRCh37 (hg19) VCF-style: chr6-65098658-A-C.
Other names: c.6003T>G, p.His2001Gln (NM_001292009.2); short protein forms H2001Q.
Identifiers: ClinVar variation 1345142 (VCV001345142.5), dbSNP rs1168554087, ClinGen allele CA364392091.

ClinVar aggregate classification (germline): Uncertain significance (1 of 4 stars; one submission).

gnomAD v4.1: 8 of 1,545,428 alleles (0.00052%); highest among the groups gnomAD compares: Non-Finnish European, 0.0007%; no homozygotes.

Submission:

Labcorp Genetics (formerly Invitae), Labcorp
Classification: Uncertain significance. Last evaluated: 2022-01-31. Review status: criteria provided, single submitter. Criteria: Invitae Variant Classification Sherloc (09022015). Collection method: clinical testing. Allele origin: germline.
Comment: This sequence change replaces histidine, which is basic and polar, with glutamine, which is neutral and polar, at codon 2001 of the EYS protein (p.His2001Gln). This variant is not present in population databases (gnomAD no frequency). This variant has not been reported in the literature in individuals affected with EYS-related conditions. Algorithms developed to predict the effect of missense changes on protein structure and function output the following: SIFT: "Deleterious"; PolyPhen-2: "Benign"; Align-GVGD: "Class C0". The glutamine amino acid residue is found in multiple mammalian species, which suggests that this missense change does not adversely affect protein function. Algorithms developed to predict the effect of sequence changes on RNA splicing suggest that this variant may create or strengthen a splice site. In summary, the available evidence is currently insufficient to determine the role of this variant in disease. Therefore, it has been classified as a Variant of Uncertain Significance.